The following is an entry in ClinVar:

ClinVar aggregate classification (germline): Uncertain significance. Review status: criteria provided, multiple submitters, no conflicts (2 of 4 stars). 3 submissions from 3 submitters: Uncertain significance (3). Last evaluated 2025-06-10.

Conditions:
Epidermodysplasia verruciformis. Identifiers: Orphanet 302, MedGen C0014522, MONDO:0009176.
Inborn genetic diseases. Identifiers: MedGen C0950123, MeSH D030342.
Epidermodysplasia verruciformis, susceptibility to, 1. Identifiers: Orphanet 302, MedGen C4722564, MONDO:0100045, OMIM 226400.

Submissions (3):

Ambry Genetics
Classification: Uncertain significance for Inborn genetic diseases. Last evaluated: 2025-06-10. Review status: criteria provided, single submitter. Criteria: Ambry Variant Classification Scheme 2023. Collection method: clinical testing. Allele origin: germline.

Fulgent Genetics
Classification: Uncertain significance for Epidermodysplasia verruciformis, susceptibility to, 1. Last evaluated: 2024-02-21. Review status: criteria provided, single submitter. Criteria: ACMG Guidelines, 2015. Collection method: clinical testing. Allele origin: germline.

Labcorp Genetics (formerly Invitae), Labcorp
Classification: Uncertain significance for Epidermodysplasia verruciformis. Last evaluated: 2021-09-19. Review status: criteria provided, single submitter. Criteria: Invitae Variant Classification Sherloc (09022015). Collection method: clinical testing. Allele origin: germline.
Comment: This sequence change replaces phenylalanine with cysteine at codon 366 of the TMC6 protein (p.Phe366Cys). The phenylalanine residue is moderately conserved and there is a large physicochemical difference between phenylalanine and cysteine. This variant is not present in population databases (ExAC no frequency). This variant has not been reported in the literature in individuals affected with TMC6-related conditions. Algorithms developed to predict the effect of missense changes on protein structure and function are either unavailable or do not agree on the potential impact of this missense change (SIFT: "Not Available"; PolyPhen-2: "Probably Damaging"; Align-GVGD: "Not Available"). In summary, the available evidence is currently insufficient to determine the role of this variant in disease. Therefore, it has been classified as a Variant of Uncertain Significance.

NM_001127198.5(TMC6):c.1097T>G (p.Phe366Cys)

Gene: TMC6 (transmembrane channel like 6; minus strand). Cytogenetic location: 17q25.3.
Variant type: single nucleotide variant.
Coding change: c.1097T>G on transcript NM_001127198.5 (MANE Select); coding-DNA position 1097, T replaced by G.
Protein change: p.Phe366Cys; replaces phenylalanine 366 with cysteine.
Molecular consequence: missense variant. On other transcripts: non-coding transcript variant (4).
Genome position (GRCh38, 1-based): chr17:78,122,735, A>C on the plus strand (T>G on the coding strand, the complement: TMC6 is on the minus strand). VCF-style: chr17-78122735-A-C. GRCh37 (hg19) VCF-style: chr17-76118816-A-C.
Other names: c.1097T>G, p.Phe366Cys (NM_001321185.1, NM_001374593.1, NM_001374594.1 and 4 more transcripts); c.1097T>G (NM_007267.6); short protein forms F366C.
Identifiers: ClinVar variation 1383285 (VCV001383285.5), dbSNP rs1222873672, ClinGen allele CA401231119.
Genomic context (GRCh38, chr17:78,122,735, plus strand): 5'-GAGCAGAAGACGGTGATGGCGTGGATGCCAGAGGTGCTGCCCACCCGGTAGCTCTCCCCG[A>C]AAGAGTGAGCCATGCTGGGGAGAAGCAGACACAGACATGGCAACCAACAAGCTGACGGGC-3'
Protein context (NP_001120670.1, residues 356-376): ITLVYSMAHS[Phe366Cys]GESYRVGSTS